The following is an entry in ClinVar:

ClinVar aggregate classification (germline): Pathogenic. Review status: criteria provided, multiple submitters, no conflicts (2 of 4 stars). 4 submissions from 4 submitters: Pathogenic (3). 1 of the submissions does not count toward it. Last evaluated 2026-09-14.

Conditions:
SLC20A2-related disorder. Also called: SLC20A2-related condition.
Idiopathic basal ganglia calcification 1 (PFBC1A). Also called: Familial Idiopathic Basal Ganglia Calcification 3; Primary Familial Brain Calcification; Familial Idiopathic Basal Ganglia Calcification 2; Fahr's syndrome; PRIMARY FAMILIAL BRAIN CALCIFICATION 1A, AUTOSOMAL DOMINANT; Cerebral calcification nonarteriosclerotic idiopathic adult-onset. Identifiers: Orphanet 1980, MedGen C4551624, MONDO:0024538, OMIM 213600.

Submissions (4):

PreventionGenetics, part of Exact Sciences
Classification: Pathogenic for SLC20A2-related condition. Last evaluated: 2026-09-14. Review status: criteria provided, single submitter. Criteria: ACMG Guidelines, 2015. Collection method: clinical testing. Allele origin: germline.
Comment: The SLC20A2 c.509delT variant is predicted to result in premature protein termination (p.Leu170*). This variant was reported in two large families with basal ganglia calcification (referred to as c.508delT, Hsu et al. 2013. PubMed ID: 23334463; Konno et al. 2018. PubMed ID: 29680161). However, in one family, out of 11 affected family members, two members did not carry this variant (Family F1 in Hsu et al. 2013. PubMed ID: 23334463). This variant has not been reported in a large population database, indicating this variant is rare. Nonsense variants in SLC20A2 are expected to be pathogenic. This variant is interpreted as pathogenic.

Labcorp Genetics (formerly Invitae), Labcorp
Classification: Pathogenic. Last evaluated: 2025-04-24. Review status: criteria provided, single submitter. Criteria: Invitae Variant Classification Sherloc (09022015). Collection method: clinical testing. Allele origin: germline.
Comment: This sequence change creates a premature translational stop signal (p.Leu170*) in the SLC20A2 gene. It is expected to result in an absent or disrupted protein product. Loss-of-function variants in SLC20A2 are known to be pathogenic (PMID: 23334463). This variant is not present in population databases (gnomAD no frequency). This premature translational stop signal has been observed in individual(s) with clinical features of basal ganglia calcification (PMID: 23334463, 29680161, 33144682). ClinVar contains an entry for this variant (Variation ID: 280118). For these reasons, this variant has been classified as Pathogenic.

GeneDx
Classification: Pathogenic. Last evaluated: 2025-04-16. Review status: criteria provided, single submitter. Criteria: GeneDx Variant Classification Process June 2021. Collection method: clinical testing. Allele origin: germline. Affected: yes.
Comment: Nonsense variant predicted to result in protein truncation or nonsense mediated decay in a gene for which loss of function is a known mechanism of disease; Not observed at significant frequency in large population cohorts (gnomAD); This variant is associated with the following publications: (PMID: 23334463, 25726928, 33144682, 31768941, 29680161)

OMIM
Classification: Pathogenic for PRIMARY FAMILIAL BRAIN CALCIFICATION 1A, AUTOSOMAL DOMINANT. Last evaluated: 2013-02-01. Review status: no assertion criteria provided. Collection method: literature only. Allele origin: germline. Not counted in ClinVar's aggregate classification.

Literature cited by the submitters: PubMed 23334463 (cited by Labcorp Genetics (formerly Invitae), Labcorp and OMIM); PubMed 29680161 (cited by Labcorp Genetics (formerly Invitae), Labcorp); PubMed 33144682 (cited by Labcorp Genetics (formerly Invitae), Labcorp); PubMed 10441584 (cited by OMIM).

NM_001257180.2(SLC20A2):c.509del (p.Ile169_Leu170insTer)

Gene: SLC20A2 (solute carrier family 20 member 2; minus strand). Cytogenetic location: 8p11.21.
Variant type: Deletion.
Coding change: c.509del on transcript NM_001257180.2 (MANE Select); coding-DNA position 509, one base deleted (T; older notation c.509delT).
Protein change: p.Ile169_Leu170insTer.
Molecular consequence: nonsense.
Genome position (GRCh38, 1-based): chr8:42,463,012, A deleted on the plus strand (T on the coding strand, the reverse complement: SLC20A2 is on the minus strand); the first of 2 consecutive A bases (chr8:42,463,012-42,463,013); deleting either gives the same sequence. VCF-style (leftmost placement, unchanged base first): chr8-42463011-TA-T. GRCh37 (hg19) VCF-style: chr8-42320529-TA-T.
Other names: c.509del, p.Ile169_Leu170insTer (NM_001257181.2, NM_006749.5); c.509delT (NM_001257180.1); c.509del (NM_006749.4).
Identifiers: ClinVar variation 280118 (VCV000280118.10), dbSNP rs398122395, ClinGen allele CA266193.